The following is an entry in ClinVar:

NM_001165963.4(SCN1A):c.4002+2214G>A

Genes: SCN1A (sodium voltage-gated channel alpha subunit 1; minus strand), LOC102724058 (uncharacterized LOC102724058; plus strand). Cytogenetic location: 2q24.3.
Variant type: single nucleotide variant.
Coding change: c.4002+2214G>A on transcript NM_001165963.4 (MANE Select); 2214 bases into the intron after coding-DNA position 4002, G replaced by A.
Molecular consequence: intron variant.
Genome position (GRCh38, 1-based): chr2:166,007,505, C>T on the plus strand (G>A on the coding strand, the complement: SCN1A is on the minus strand). VCF-style: chr2-166007505-C-T. GRCh37 (hg19) VCF-style: chr2-166864015-C-T.
Other names: c.3969+2214G>A (NM_001353949.2, NM_001353950.2, NM_001353951.2 and 2 more transcripts); c.3918+2214G>A (NM_001353958.2, NM_001353957.2, NM_001165964.3); c.4002+2214G>A (NM_001202435.3, NM_001353948.2); c.3966+2214G>A (NM_001353955.2, NM_001353954.2); c.3915+2214G>A (NM_001353960.2); c.1560+2214G>A (NM_001353961.2).
Identifiers: ClinVar variation 1670727 (VCV001670727.9), dbSNP rs1414799202, ClinGen allele CA537134255.

ClinVar aggregate classification (germline): Uncertain significance (1 of 4 stars; one submission).

Conditions:
Early-infantile DEE. Also called: Early infantile epileptic encephalopathy; Ohtahara syndrome; Early infantile epileptic encephalopathy with suppression bursts. Identifiers: Orphanet 1934, MedGen C0393706, MONDO:0800491.

Allele frequency attached by ClinVar (database versions not stated): gnomAD 0.00001 and 0.00002.
gnomAD v4.1: 3 of 151,208 alleles (0.002%); highest among the groups gnomAD compares: South Asian, 0.021%; no homozygotes.

Submission:

Labcorp Genetics (formerly Invitae), Labcorp
Classification: Uncertain significance for Early-infantile DEE. Last evaluated: 2024-05-15. Review status: criteria provided, single submitter. Criteria: Invitae Variant Classification Sherloc (09022015). Collection method: clinical testing. Allele origin: germline.
Comment: This sequence change falls in intron 20 of the SCN1A gene. It does not directly change the encoded amino acid sequence of the SCN1A protein. However, this sequence change falls within a region encompassing a cryptic exon in the SCN1A gene, in which variants have been shown to alter splicing (PMID: 30526861, 34107977). This variant is present in population databases (no rsID available, gnomAD 0.06%). This variant has been observed in individual(s) with clinical features of developmental and epileptic encephalopathy (Invitae). ClinVar contains an entry for this variant (Variation ID: 1670727). Algorithms developed to predict the effect of sequence changes on RNA splicing suggest that this variant is not likely to affect RNA splicing. In summary, the available evidence is currently insufficient to determine the role of this variant in disease. Therefore, it has been classified as a Variant of Uncertain Significance.

Literature cited by the submitters: PubMed 30526861; PubMed 34107977.